The following is an entry in ClinVar:

ClinVar aggregate classification (germline): Uncertain significance (1 of 4 stars; one submission).

gnomAD v4.1: 13 of 1,611,136 alleles (0.00081%); highest among the groups gnomAD compares: Admixed American, 0.0034%; no homozygotes.

Submission:

Labcorp Genetics (formerly Invitae), Labcorp
Classification: Uncertain significance. Last evaluated: 2025-11-09. Review status: criteria provided, single submitter. Criteria: Invitae Variant Classification Sherloc (09022015). Collection method: clinical testing. Allele origin: germline.
Comment: This sequence change affects codon 148 of the TRIP13 mRNA. It is a 'silent' change, meaning that it does not change the encoded amino acid sequence of the TRIP13 protein. It affects a nucleotide within the consensus splice site. This variant is present in population databases (rs770607074, gnomAD 0.006%). This variant has not been reported in the literature in individuals affected with TRIP13-related conditions. Algorithms developed to predict the effect of sequence changes on RNA splicing suggest that this variant is not likely to affect RNA splicing. In summary, the available evidence is currently insufficient to determine the role of this variant in disease. Therefore, it has been classified as a Variant of Uncertain Significance.

NM_004237.4(TRIP13):c.444T>C (p.His148=)

Gene: TRIP13 (thyroid hormone receptor interactor 13; plus strand). Cytogenetic location: 5p15.33.
Variant type: single nucleotide variant.
Coding change: c.444T>C on transcript NM_004237.4 (MANE Select); coding-DNA position 444, T replaced by C.
Protein change: p.His148=; no amino-acid change (histidine 148 retained).
Molecular consequence: synonymous variant.
Genome position (GRCh38, 1-based): chr5:900,549, T>C. VCF-style: chr5-900549-T-C. GRCh37 (hg19) VCF-style: chr5-900664-T-C.
Other names: c.444T>C, p.His148= (NM_001166260.2).
Identifiers: ClinVar variation 4799671 (VCV004799671.1).